The following is an entry in ClinVar:

NM_020961.4(METTL14):c.903C>T (p.Asp301=)

Gene: METTL14 (methyltransferase 14, N6-adenosine-methyltransferase non-catalytic subunit; plus strand). Cytogenetic location: 4q26.
Variant type: single nucleotide variant.
Coding change: c.903C>T on transcript NM_020961.4 (MANE Select); coding-DNA position 903, C replaced by T.
Protein change: p.Asp301=; no amino-acid change (aspartic acid 301 retained).
Molecular consequence: synonymous variant.
Genome position (GRCh38, 1-based): chr4:118,705,658, C>T. VCF-style: chr4-118705658-C-T. GRCh37 (hg19) VCF-style: chr4-119626813-C-T.
Identifiers: ClinVar variation 2655051 (VCV002655051.24), dbSNP rs747742731, ClinGen allele CA3056682.

ClinVar aggregate classification (germline): Likely benign (1 of 4 stars; one submission).

Allele frequency attached by ClinVar (database versions not stated): gnomAD 0.00002; TOPMed 0.00002; gnomAD exomes 0.00003; ExAC 0.00008.
gnomAD v4.1: 46 of 1,614,124 alleles (0.0028%); highest among the groups gnomAD compares: South Asian, 0.036%; 1 homozygote.

Submission:

CeGaT Center for Human Genetics Tuebingen
Classification: Likely benign. Last evaluated: 2023-02-01. Review status: criteria provided, single submitter. Criteria: CeGaT Center For Human Genetics Tuebingen Variant Classification Criteria Version 2. Collection method: clinical testing. Allele origin: germline. Affected: yes. Observed: 1 variant allele.
Comment: METTL14: BP4, BP7